The following is an entry in ClinVar:

NM_001177676.2(GPR68):c.975dup (p.Glu326fs)

Gene: GPR68 (G protein-coupled receptor 68; minus strand). Cytogenetic location: 14q32.11.
Variant type: Duplication.
Coding change: c.975dup on transcript NM_001177676.2 (MANE Select); coding-DNA position 975, one base duplicated (C; older notation c.975dupC).
Protein change: p.Glu326fs; shifts the reading frame from glutamic acid 326.
Molecular consequence: frameshift variant.
Genome position (GRCh38, 1-based): chr14:91,234,076, G duplicated on the plus strand (C on the coding strand, the reverse complement: GPR68 is on the minus strand); the first of 5 consecutive G bases (chr14:91,234,076-91,234,080); duplicating any one gives the same sequence. VCF-style (leftmost placement, unchanged base first): chr14-91234075-C-CG. GRCh37 (hg19) VCF-style: chr14-91700419-C-CG.
Other names: c.975dup, p.Glu326fs (NM_001348437.1, NM_003485.3); short protein forms E326fs.
Identifiers: ClinVar variation 1805454 (VCV001805454.1), dbSNP rs2544118741, ClinGen allele CA2573102958.

ClinVar aggregate classification (germline): Uncertain significance (1 of 4 stars; one submission).

Conditions:
Amelogenesis imperfecta, hypomaturation type, IIa6. Identifiers: MedGen C4310665, MONDO:0014971, OMIM 617217.

Submission:

Victorian Clinical Genetics Services, Murdoch Childrens Research Institute
Classification: Uncertain significance for Amelogenesis imperfecta, hypomaturation type, IIa6. Last evaluated: 2022-03-31. Review status: criteria provided, single submitter. Criteria: ACMG Guidelines, 2015. Collection method: clinical testing. Allele origin: germline. Inheritance: Autosomal recessive inheritance.
Comment: Based on the classification scheme VCGS_Germline_v1.3.4, this variant is classified as VUS-3B. Following criteria are met: 0102 - Loss of function is a known mechanism of disease in this gene and is associated with hypomaturation type amelogenesis imperfecta IIA6 (MIM#617217). (I) 0106 - This gene is associated with autosomal recessive disease. (I) 0205 - Variant is predicted to result in a truncated protein (premature termination codon is NOT located at least 54 nucleotides upstream of the final exon-exon junction) with less than 1/3 of the protein sequence affected. (SP) 0251 - This variant is heterozygous. (I) 0301 - Variant is absent from gnomAD (both v2 and v3). (SP) 0604 - Variant is not located in an established domain, motif, hotspot or informative constraint region. (I) 0705 - No comparable premature termination variants have previous evidence for pathogenicity. (I) 0807 - This variant has no previous evidence of pathogenicity. (I) 0905 - No published segregation evidence has been identified for this variant. (I) 1007 - No published functional evidence has been identified for this variant. (I) Legend: (SP) - Supporting pathogenic, (I) - Information, (SB) - Supporting benign